The following is an entry in ClinVar:

NM_001174089.2(SLC4A11):c.1283-11C>T

Gene: SLC4A11 (solute carrier family 4 member 11; minus strand). Cytogenetic location: 20p13.
Variant type: single nucleotide variant.
Coding change: c.1283-11C>T on transcript NM_001174089.2 (MANE Select); 11 bases into the intron before coding-DNA position 1283, C replaced by T.
Molecular consequence: intron variant.
Genome position (GRCh38, 1-based): chr20:3,230,658, G>A on the plus strand (C>T on the coding strand, the complement: SLC4A11 is on the minus strand). VCF-style: chr20-3230658-G-A. GRCh37 (hg19) VCF-style: chr20-3211304-G-A.
Other names: c.1169-11C>T (NM_001363745.2); c.1412-11C>T (NM_001174090.2); c.1331-11C>T (NM_032034.4).
Identifiers: ClinVar variation 261994 (VCV000261994.16), dbSNP rs41281862, ClinGen allele CA9741898.

ClinVar aggregate classification (germline): Benign. Review status: criteria provided, multiple submitters, no conflicts (2 of 4 stars). 6 submissions from 5 submitters: Benign (6). Last evaluated 2026-02-04.

Conditions:
Corneal dystrophy. Identifiers: Orphanet 34533, MedGen C0010036, MONDO:0018102, HP:0001131.
Corneal dystrophy-perceptive deafness syndrome (CDPD). Also called: CORNEAL DYSTROPHY AND SENSORINEURAL DEAFNESS; HARBOYAN SYNDROME. Identifiers: Orphanet 1490, MedGen C1857572, MONDO:0009015, OMIM 217400.
Congenital hereditary endothelial dystrophy of cornea. Also called: Corneal endothelial dystrophy, autosomal recessive; Congenital hereditary endothelial dystrophy of the cornea; Maumenee corneal dystrophy; CORNEAL DYSTROPHY, CONGENITAL HEREDITARY ENDOTHELIAL; Congenital hereditary endothelial dystrophy type II. Identifiers: Orphanet 293603, MedGen C1857569, MONDO:0009019, OMIM 217700.

Allele frequency attached by ClinVar (database versions not stated): gnomAD 0.09711; ESP Exome Variant Server 0.10118; 1000 Genomes Project 30x 0.04934; TOPMed 0.08872; 1000 Genomes Project 0.04792.
gnomAD v4.1: 187,472 of 1,613,268 alleles (12%); highest among the groups gnomAD compares: Non-Finnish European, 13%; 12,283 homozygotes.

Submissions (6):

Labcorp Genetics (formerly Invitae), Labcorp
Classification: Benign. Last evaluated: 2026-02-04. Review status: criteria provided, single submitter. Criteria: Invitae Variant Classification Sherloc (09022015). Collection method: clinical testing. Allele origin: germline.

Genome-Nilou Lab
Classification: Benign for Corneal dystrophy-perceptive deafness syndrome. Last evaluated: 2021-07-10. Review status: criteria provided, single submitter. Criteria: ACMG Guidelines, 2015. Collection method: clinical testing. Allele origin: germline. Affected: no.

Genome-Nilou Lab
Classification: Benign for Congenital hereditary endothelial dystrophy of cornea. Last evaluated: 2021-07-10. Review status: criteria provided, single submitter. Criteria: ACMG Guidelines, 2015. Collection method: clinical testing. Allele origin: germline. Affected: no.

Illumina Laboratory Services, Illumina
Classification: Benign for Corneal dystrophy. Last evaluated: 2018-01-13. Review status: criteria provided, single submitter. Criteria: ICSL Variant Classification Criteria 13 December 2019. Collection method: clinical testing. Allele origin: germline.
Comment: This variant was observed in the ICSL laboratory as part of a predisposition screen in an ostensibly healthy population. It had not been previously curated by ICSL or reported in the Human Gene Mutation Database (HGMD: prior to June 1st, 2018), and was therefore a candidate for classification through an automated scoring system. Utilizing variant allele frequency, disease prevalence and penetrance estimates, and inheritance mode, an automated score was calculated to assess if this variant is too frequent to cause the disease. Based on the score and internal cut-off values, a variant classified as benign is not then subjected to further curation. The score for this variant resulted in a classification of benign for this disease.

Breakthrough Genomics
Classification: Benign. Review status: criteria provided, single submitter. Criteria: ACMG Guidelines, 2015. Collection method: not provided. Allele origin: germline. Inheritance: Autosomal recessive inheritance. Affected: yes.

PreventionGenetics, part of Exact Sciences
Classification: Benign. Review status: criteria provided, single submitter. Criteria: ACMG Guidelines, 2015. Collection method: clinical testing. Allele origin: germline.